The following is an entry in ClinVar:

ClinVar aggregate classification (germline): Uncertain significance (1 of 4 stars; one submission).

Submission:

Ambry Genetics
Classification: Uncertain significance. Last evaluated: 2025-12-05. Review status: criteria provided, single submitter. Criteria: Ambry Variant Classification Scheme 2023. Collection method: clinical testing. Allele origin: germline.
Comment: The p.P29R variant (also known as c.86C>G), located in coding exon 1 of the ATRIP gene, results from a C to G substitution at nucleotide position 86. The proline at codon 29 is replaced by arginine, an amino acid with dissimilar properties. This amino acid position is conserved. In addition, the in silico prediction for this alteration is inconclusive. Based on the available evidence, the clinical significance of this variant remains unclear.

NM_130384.3(ATRIP):c.86C>G (p.Pro29Arg)

Genes: ATRIP (ATR interacting protein; plus strand), ATRIP-TREX1 (ATRIP-TREX1 readthrough; plus strand), LOC129936703 (ATAC-STARR-seq lymphoblastoid silent region 14331; plus strand). Cytogenetic location: 3p21.31.
Variant type: single nucleotide variant.
Coding change: c.86C>G on transcript NM_130384.3 (MANE Select); coding-DNA position 86, C replaced by G.
Protein change: p.Pro29Arg; replaces proline 29 with arginine.
Molecular consequence: missense variant. On other transcripts: non-coding transcript variant (1), intron variant (1).
Genome position (GRCh38, 1-based): chr3:48,446,931, C>G. VCF-style: chr3-48446931-C-G. GRCh37 (hg19) VCF-style: chr3-48488335-C-G.
Other names: c.86C>G, p.Pro29Arg (NM_032166.4); c.-218+132C>G (NM_001271022.2); short protein forms P29R.
Identifiers: ClinVar variation 4644602 (VCV004644602.1).
Genomic context (GRCh38, chr3:48,446,931, plus strand): 5'-GCAAGAGGCGGAGCGAGCCCCCGGCGCCTCGCCCCGGCCCGCCGCCGGGCACCGGGCACC[C>G]CCCGAGCAAGCGGGCCCGGGGCTTCTCCGCAGCCGCTGCCCCGGACCCTGACGACCCGTT-3'
Protein context (NP_569055.1, residues 19-39): RPGPPPGTGH[Pro29Arg]PSKRARGFSA